The following is an entry in ClinVar:

ClinVar aggregate classification (germline): Uncertain significance. Review status: criteria provided, multiple submitters, no conflicts (2 of 4 stars). 2 submissions from 2 submitters: Uncertain significance (2). Last evaluated 2023-04-03.

Conditions:
Charcot-Marie-Tooth disease axonal type 2O. Also called: Charcot-Marie-Tooth Neuropathy Type 2O; CHARCOT-MARIE-TOOTH NEUROPATHY, AXONAL, TYPE 2O; CHARCOT-MARIE-TOOTH DISEASE, AXONAL, AUTOSOMAL DOMINANT, TYPE 2O; Charcot-Marie-Tooth disease, axonal, type 20. Identifiers: Orphanet 284232, MedGen C3280220, MONDO:0013644, OMIM 614228.

Submissions (2):

Labcorp Genetics (formerly Invitae), Labcorp
Classification: Uncertain significance for Charcot-Marie-Tooth disease axonal type 2O. Last evaluated: 2023-04-03. Review status: criteria provided, single submitter. Criteria: Invitae Variant Classification Sherloc (09022015). Collection method: clinical testing. Allele origin: germline.
Comment: This sequence change replaces leucine, which is neutral and non-polar, with histidine, which is basic and polar, at codon 803 of the DYNC1H1 protein (p.Leu803His). This variant is not present in population databases (gnomAD no frequency). This variant has not been reported in the literature in individuals affected with DYNC1H1-related conditions. ClinVar contains an entry for this variant (Variation ID: 1723845). Advanced modeling of protein sequence and biophysical properties (such as structural, functional, and spatial information, amino acid conservation, physicochemical variation, residue mobility, and thermodynamic stability) performed at Invitae indicates that this missense variant is not expected to disrupt DYNC1H1 protein function. In summary, the available evidence is currently insufficient to determine the role of this variant in disease. Therefore, it has been classified as a Variant of Uncertain Significance.

GeneDx
Classification: Uncertain significance. Last evaluated: 2022-05-11. Review status: criteria provided, single submitter. Criteria: GeneDx Variant Classification Process June 2021. Collection method: clinical testing. Allele origin: germline. Affected: yes.
Comment: Not observed at significant frequency in large population cohorts (gnomAD); In silico analysis supports that this missense variant does not alter protein structure/function; Has not been previously published as pathogenic or benign to our knowledge; This variant is associated with the following publications: (PMID: 26100331, 25609763, 25512093)

NM_001376.5(DYNC1H1):c.2408T>A (p.Leu803His)

Gene: DYNC1H1 (dynein cytoplasmic 1 heavy chain 1; plus strand). Cytogenetic location: 14q32.31.
Variant type: single nucleotide variant.
Coding change: c.2408T>A on transcript NM_001376.5 (MANE Select); coding-DNA position 2408, T replaced by A.
Protein change: p.Leu803His; replaces leucine 803 with histidine.
Molecular consequence: missense variant.
Genome position (GRCh38, 1-based): chr14:101,986,633, T>A. VCF-style: chr14-101986633-T-A. GRCh37 (hg19) VCF-style: chr14-102452970-T-A.
Other names: short protein forms L803H.
Identifiers: ClinVar variation 1723845 (VCV001723845.5), dbSNP rs2503696283, ClinGen allele CA391023566.